The following is an entry in ClinVar:

ClinVar aggregate classification (germline): Uncertain significance (1 of 4 stars; one submission).

Conditions:
Hyperaldosteronism, familial, type IV (HALD4). Also called: FH IV; ALDOSTERONISM, PRIMARY, AND HYPERTENSION. Identifiers: Orphanet 642671, MedGen C4310756, MONDO:0014875, OMIM 617027.
Idiopathic generalized epilepsy. Also called: EIG; Generalised epilepsy. Identifiers: MedGen C0270850, MONDO:0005579, OMIM 600669.

Allele frequency attached by ClinVar (database versions not stated): gnomAD exomes below 0.00001; ExAC 0.00008.
gnomAD v4.1: 6 of 1,569,128 alleles (0.00038%); highest among the groups gnomAD compares: South Asian, 0.0012%; no homozygotes.

Submission:

Labcorp Genetics (formerly Invitae), Labcorp
Classification: Uncertain significance for Idiopathic generalized epilepsy; Hyperaldosteronism, familial, type IV. Last evaluated: 2024-01-22. Review status: criteria provided, single submitter. Criteria: Invitae Variant Classification Sherloc (09022015). Collection method: clinical testing. Allele origin: germline.
Comment: This sequence change replaces alanine, which is neutral and non-polar, with valine, which is neutral and non-polar, at codon 148 of the CACNA1H protein (p.Ala148Val). The frequency data for this variant in the population databases is considered unreliable, as metrics indicate poor data quality at this position in the gnomAD database. This variant has not been reported in the literature in individuals affected with CACNA1H-related conditions. ClinVar contains an entry for this variant (Variation ID: 650170). Advanced modeling of protein sequence and biophysical properties (such as structural, functional, and spatial information, amino acid conservation, physicochemical variation, residue mobility, and thermodynamic stability) performed at Invitae indicates that this missense variant is expected to disrupt CACNA1H protein function with a positive predictive value of 80%. In summary, the available evidence is currently insufficient to determine the role of this variant in disease. Therefore, it has been classified as a Variant of Uncertain Significance.

NM_021098.3(CACNA1H):c.443C>T (p.Ala148Val)

Gene: CACNA1H (calcium voltage-gated channel subunit alpha1 H; plus strand). Cytogenetic location: 16p13.3.
Variant type: single nucleotide variant.
Coding change: c.443C>T on transcript NM_021098.3 (MANE Select); coding-DNA position 443, C replaced by T.
Protein change: p.Ala148Val; replaces alanine 148 with valine.
Molecular consequence: missense variant.
Genome position (GRCh38, 1-based): chr16:1,195,463, C>T. VCF-style: chr16-1195463-C-T. GRCh37 (hg19) VCF-style: chr16-1245463-C-T.
Other names: c.443C>T, p.Ala148Val (NM_001005407.2); short protein forms A148V.
Identifiers: ClinVar variation 650170 (VCV000650170.8), dbSNP rs750887213, ClinGen allele CA7799429.
Genomic context (GRCh38, chr16:1,195,463, plus strand): 5'-ACGGGCCCTCCTGATGCCTCCTCCCGCAGGCCTTTGACGCCTTCATTTTCGCCTTTTTTG[C>T]GGTGGAGATGGTCATCAAGATGGTGGCCTTGGGGCTGTTCGGGCAGAAGTGTTACCTGGG-3'
Protein context (NP_066921.2, residues 138-158): AFDAFIFAFF[Ala148Val]VEMVIKMVAL